The following is an entry in ClinVar:

NM_014321.4(ORC6):c.173G>A (p.Trp58Ter)

Gene: ORC6 (origin recognition complex subunit 6; plus strand). Cytogenetic location: 16q11.2.
Variant type: single nucleotide variant.
Coding change: c.173G>A on transcript NM_014321.4 (MANE Select); coding-DNA position 173, G replaced by A.
Protein change: p.Trp58Ter; replaces tryptophan 58 with a stop codon.
Molecular consequence: nonsense. On other transcripts: non-coding transcript variant (1).
Genome position (GRCh38, 1-based): chr16:46,691,098, G>A. VCF-style: chr16-46691098-G-A. GRCh37 (hg19) VCF-style: chr16-46725010-G-A.
Other names: short protein forms W58*.
Identifiers: ClinVar variation 2771623 (VCV002771623.3), dbSNP rs2548891307, ClinGen allele CA395818129.

ClinVar aggregate classification (germline): Pathogenic (1 of 4 stars; one submission).

Allele frequency attached by ClinVar (database versions not stated): gnomAD exomes below 0.00001.
gnomAD v4.1: 4 of 1,614,174 alleles (0.00025%); highest among the groups gnomAD compares: Non-Finnish European, 0.00025%; no homozygotes.

Submission:

Labcorp Genetics (formerly Invitae), Labcorp
Classification: Pathogenic. Last evaluated: 2023-10-24. Review status: criteria provided, single submitter. Criteria: Invitae Variant Classification Sherloc (09022015). Collection method: clinical testing. Allele origin: germline.
Comment: This sequence change creates a premature translational stop signal (p.Trp58*) in the ORC6 gene. It is expected to result in an absent or disrupted protein product. Loss-of-function variants in ORC6 are known to be pathogenic (PMID: 21358632, 25691413). This variant is not present in population databases (gnomAD no frequency). This variant has not been reported in the literature in individuals affected with ORC6-related conditions. For these reasons, this variant has been classified as Pathogenic.

Literature cited by the submitters: PubMed 21358632; PubMed 25691413.